The following is an entry in ClinVar:

NM_002907.4(RECQL):c.1094T>C (p.Ile365Thr)

Gene: RECQL (RecQ like helicase; minus strand). Cytogenetic location: 12p12.1.
Variant type: single nucleotide variant.
Coding change: c.1094T>C on transcript NM_002907.4 (MANE Select); coding-DNA position 1094, T replaced by C.
Protein change: p.Ile365Thr; replaces isoleucine 365 with threonine.
Molecular consequence: missense variant.
Genome position (GRCh38, 1-based): chr12:21,475,680, A>G on the plus strand (T>C on the coding strand, the complement: RECQL is on the minus strand). VCF-style: chr12-21475680-A-G. GRCh37 (hg19) VCF-style: chr12-21628614-A-G.
Other names: c.1094T>C, p.Ile365Thr (NM_032941.3); short protein forms I365T.
Identifiers: ClinVar variation 3787923 (VCV003787923.1).

ClinVar aggregate classification (germline): Uncertain significance (1 of 4 stars; one submission).

Submission:

Ambry Genetics
Classification: Uncertain significance. Last evaluated: 2025-02-18. Review status: criteria provided, single submitter. Criteria: Ambry Variant Classification Scheme 2023. Collection method: clinical testing. Allele origin: germline.
Comment: The p.I365T variant (also known as c.1094T>C), located in coding exon 8 of the RECQL gene, results from a T to C substitution at nucleotide position 1094. The isoleucine at codon 365 is replaced by threonine, an amino acid with similar properties. This amino acid position is conserved. In addition, the in silico prediction for this alteration is inconclusive. Based on the available evidence, the clinical significance of this variant remains unclear.